The following is an entry in ClinVar:

ClinVar aggregate classification (germline): Uncertain significance (1 of 4 stars; one submission).

Conditions:
Possible mitochondrial disorder - nuclear genes.

Submission:

Genetics Laboratory, Great Ormond Street Hospital NHS Foundation Trust, North Thames Genomic Laboratory Hub
Classification: Uncertain significance for Possible mitochondrial disorder - nuclear genes. Last evaluated: 2026-07-29. Review status: criteria provided, single submitter. Criteria: ACGS Best Practice Guidelines for Variant Classification in Rare Disease 2024 v1.2. Collection method: clinical testing. Allele origin: germline. Affected: yes.
Comment: PS4_supporting, PM2_moderate, PP3_supporting

NM_001098.3(ACO2):c.575A>G (p.Asp192Gly)

Gene: ACO2 (aconitase 2; plus strand). Cytogenetic location: 22q13.2.
Variant type: single nucleotide variant.
Coding change: c.575A>G on transcript NM_001098.3 (MANE Select); coding-DNA position 575, A replaced by G.
Protein change: p.Asp192Gly; replaces aspartic acid 192 with glycine.
Molecular consequence: missense variant.
Genome position (GRCh38, 1-based): chr22:41,515,426, A>G. VCF-style: chr22-41515426-A-G. GRCh37 (hg19) VCF-style: chr22-41911430-A-G.
Other names: short protein forms D192G.
Identifiers: ClinVar variation 4976884 (VCV004976884.1).
Genomic context (GRCh38, chr22:41,515,426, plus strand): 5'-TTATTTTTCAGATTATTCTGGAAAACTATGCGTACCCTGGTGTTCTTCTGATTGGCACTG[A>G]CTCCCACACCCCCAATGGTGGCGGCCTTGGGGGCATCTGCATTGGAGTTGGGGGTGCCGA-3'
Protein context (NP_001089.1, residues 182-202): AYPGVLLIGT[Asp192Gly]SHTPNGGGLG